The following is an entry in ClinVar:

ClinVar aggregate classification (germline): Conflicting classifications of pathogenicity. Review status: criteria provided, conflicting classifications (1 of 4 stars). 3 submissions from 3 submitters: Uncertain significance (1); Likely benign (1). 1 of the submissions does not count toward it. Last evaluated 2025-12-14.

Conditions:
FRAS1-related disorder. Also called: FRAS1-related condition.

Allele frequency attached by ClinVar (database versions not stated): gnomAD 0.00017; TOPMed 0.00040; ExAC 0.00044; gnomAD exomes 0.00047; 1000 Genomes Project 0.00080; 1000 Genomes Project 30x 0.00109.
gnomAD v4.1: 174 of 1,614,030 alleles (0.011%); highest among the groups gnomAD compares: Admixed American, 0.24%; no homozygotes.

Submissions (3):

Labcorp Genetics (formerly Invitae), Labcorp
Classification: Likely benign. Last evaluated: 2025-12-14. Review status: criteria provided, single submitter. Criteria: Invitae Variant Classification Sherloc (09022015). Collection method: clinical testing. Allele origin: germline.

GeneDx
Classification: Uncertain significance. Last evaluated: 2023-06-27. Review status: criteria provided, single submitter. Criteria: GeneDx Variant Classification Process June 2021. Collection method: clinical testing. Allele origin: germline. Affected: yes.
Comment: In silico analysis supports that this missense variant has a deleterious effect on protein structure/function; Has not been previously published as pathogenic or benign to our knowledge

PreventionGenetics, part of Exact Sciences
Classification: Likely benign for FRAS1-related condition. Last evaluated: 2022-04-01. Review status: no assertion criteria provided. Collection method: clinical testing. Allele origin: germline. Not counted in ClinVar's aggregate classification.
Comment: This variant is classified as likely benign based on ACMG/AMP sequence variant interpretation guidelines (Richards et al. 2015 PMID: 25741868, with internal and published modifications).

NM_025074.7(FRAS1):c.10234C>T (p.Arg3412Cys)

Gene: FRAS1 (Fraser extracellular matrix complex subunit 1; plus strand). Cytogenetic location: 4q21.21.
Variant type: single nucleotide variant.
Coding change: c.10234C>T on transcript NM_025074.7 (MANE Select); coding-DNA position 10234, C replaced by T.
Protein change: p.Arg3412Cys; replaces arginine 3412 with cysteine.
Molecular consequence: missense variant.
Genome position (GRCh38, 1-based): chr4:78,515,858, C>T. VCF-style: chr4-78515858-C-T. GRCh37 (hg19) VCF-style: chr4-79437012-C-T.
Other names: short protein forms R3412C.
Identifiers: ClinVar variation 706502 (VCV000706502.13), dbSNP rs187826477, ClinGen allele CA2978895.